The following is an entry in ClinVar:

NM_001349.4(DARS1):c.1342+14A>G

Gene: DARS1 (aspartyl-tRNA synthetase 1; minus strand). Cytogenetic location: 2q21.3.
Variant type: single nucleotide variant.
Coding change: c.1342+14A>G on transcript NM_001349.4 (MANE Select); 14 bases into the intron after coding-DNA position 1342, A replaced by G.
Molecular consequence: intron variant.
Genome position (GRCh38, 1-based): chr2:135,911,368, T>C on the plus strand (A>G on the coding strand, the complement: DARS1 is on the minus strand). VCF-style: chr2-135911368-T-C. GRCh37 (hg19) VCF-style: chr2-136668938-T-C.
Other names: c.1042+14A>G (NM_001293312.1).
Identifiers: ClinVar variation 380520 (VCV000380520.9), dbSNP rs115876148, ClinGen allele CA1889496.
Genomic context (GRCh38, chr2:135,911,368, plus strand): 5'-GAGAAGTCTTTTAAATGTTTACAATGTATTATTTTCAGAATATACACTCCCCTAAATTAT[T>C]TTAAGTTGTTTACCAATTCCATGATGTAAAGCTCTCTCTGTTAGCAGTTGAGGATCATGT-3'

ClinVar aggregate classification (germline): Benign. Review status: criteria provided, multiple submitters, no conflicts (2 of 4 stars). 2 submissions from 2 submitters: Benign (2). Last evaluated 2026-01-19.

Allele frequency attached by ClinVar (database versions not stated): gnomAD exomes 0.00104 and 0.00233; ExAC 0.00272; gnomAD 0.00880 and 0.00929; ESP Exome Variant Server 0.00900; 1000 Genomes Project 30x 0.01280; TOPMed 0.00997; 1000 Genomes Project 0.01218.
gnomAD v4.1: 2,150 of 889,426 alleles (0.24%); highest among the groups gnomAD compares: African/African-American, 3.1%; 45 homozygotes.

Submissions (2):

Labcorp Genetics (formerly Invitae), Labcorp
Classification: Benign. Last evaluated: 2026-01-19. Review status: criteria provided, single submitter. Criteria: Invitae Variant Classification Sherloc (09022015). Collection method: clinical testing. Allele origin: germline.

GeneDx
Classification: Benign. Last evaluated: 2016-03-01. Review status: criteria provided, single submitter. Criteria: GeneDx Variant Classification (06012015). Collection method: clinical testing. Allele origin: germline. Affected: yes.
Comment: This variant is considered likely benign or benign based on one or more of the following criteria: it is a conservative change, it occurs at a poorly conserved position in the protein, it is predicted to be benign by multiple in silico algorithms, and/or has population frequency not consistent with disease.